The following is an entry in ClinVar:

NM_014159.7(SETD2):c.1109A>C (p.Lys370Thr)

Gene: SETD2 (SET domain containing 2, histone lysine methyltransferase; minus strand). Cytogenetic location: 3p21.31.
Variant type: single nucleotide variant.
Coding change: c.1109A>C on transcript NM_014159.7 (MANE Select); coding-DNA position 1109, A replaced by C.
Protein change: p.Lys370Thr; replaces lysine 370 with threonine.
Molecular consequence: missense variant. On other transcripts: non-coding transcript variant (1).
Genome position (GRCh38, 1-based): chr3:47,123,527, T>G on the plus strand (A>C on the coding strand, the complement: SETD2 is on the minus strand). VCF-style: chr3-47123527-T-G. GRCh37 (hg19) VCF-style: chr3-47165017-T-G.
Other names: c.977A>C, p.Lys326Thr (NM_001349370.3); short protein forms K326T, K370T.
Identifiers: ClinVar variation 3685069 (VCV003685069.2).

ClinVar aggregate classification (germline): Uncertain significance (1 of 4 stars; one submission).

Conditions:
Luscan-Lumish syndrome. Identifiers: Orphanet 597738, MedGen C4085873, MONDO:0014791, OMIM 616831.

Submission:

Labcorp Genetics (formerly Invitae), Labcorp
Classification: Uncertain significance for Luscan-Lumish syndrome. Last evaluated: 2025-02-20. Review status: criteria provided, single submitter. Criteria: Invitae Variant Classification Sherloc (09022015). Collection method: clinical testing. Allele origin: germline.
Comment: This sequence change replaces lysine, which is basic and polar, with threonine, which is neutral and polar, at codon 370 of the SETD2 protein (p.Lys370Thr). This variant is not present in population databases (gnomAD no frequency). This variant has not been reported in the literature in individuals affected with SETD2-related conditions. Invitae Evidence Modeling of protein sequence and biophysical properties (such as structural, functional, and spatial information, amino acid conservation, physicochemical variation, residue mobility, and thermodynamic stability) indicates that this missense variant is not expected to disrupt SETD2 protein function with a negative predictive value of 80%. In summary, the available evidence is currently insufficient to determine the role of this variant in disease. Therefore, it has been classified as a Variant of Uncertain Significance.